The following is an entry in ClinVar:

NM_000138.5(FBN1):c.2854+1G>C

Gene: FBN1 (fibrillin 1; minus strand). Cytogenetic location: 15q21.1.
Variant type: single nucleotide variant.
Coding change: c.2854+1G>C on transcript NM_000138.5 (MANE Select); the canonical splice donor site of the intron after coding-DNA position 2854, G replaced by C.
Molecular consequence: splice donor variant.
Genome position (GRCh38, 1-based): chr15:48,492,460, C>G on the plus strand (G>C on the coding strand, the complement: FBN1 is on the minus strand). VCF-style: chr15-48492460-C-G. GRCh37 (hg19) VCF-style: chr15-48784657-C-G.
Other names: c.2854+1G>C (NM_001406716.1).
Identifiers: ClinVar variation 4057252 (VCV004057252.1).
Genomic context (GRCh38, chr15:48,492,460, plus strand): 5'-ACTTCATTTTTAATAATCGTTAATAAATTATTATTAGAAAAATAATGAGCTCAGTATTTA[C>G]CAAGACAGATCCTTCCTGTGGCATCCAAAGTCATTCCACTGGGACACTGACACTTGAATG-3'

ClinVar aggregate classification (germline): Likely pathogenic (1 of 4 stars; one submission).

Conditions:
Marfan syndrome (MFS). Also called: MARFAN SYNDROME, TYPE I; Marfan syndrome type 1; Marfan's syndrome; FBN1-Related Marfan Syndrome; Marfan syndrome, classic. Identifiers: Orphanet 284963, Orphanet 558, MedGen C0024796, MONDO:0007947, OMIM 154700.

Submission:

Centro de Genética y Biología Molecular, Universidad de San Martín de Porres
Classification: Likely pathogenic for Marfan syndrome. Last evaluated: 2025-01-20. Review status: criteria provided, single submitter. Criteria: ACMG Guidelines, 2015. Collection method: research. Allele origin: germline. Inheritance: Autosomal dominant inheritance. Affected: yes. Observed: 1 heterozygote.
Comment: We are currently studying this syndrome as part of a Rare Diseases project. Based on current evidence and classification criteria (Franklin ACMG) this variant is Likely pathogenic, with PVS1 pathogenic strong effect on the protein. This variant causes loss of function as a known mechanism of the disease.